The following is an entry in ClinVar:

ClinVar aggregate classification (germline): Likely benign. Review status: criteria provided, multiple submitters, no conflicts (2 of 4 stars). 2 submissions from 2 submitters: Likely benign (2). Last evaluated 2023-11-08.

Conditions:
Familial sleep-related hypermotor epilepsy. Also called: Autosomal Dominant Sleep-Related Hypermotor (Hyperkinetic) Epilepsy. Identifiers: Orphanet 98784, MedGen C3696898, MONDO:0000030.

Allele frequency attached by ClinVar (database versions not stated): gnomAD exomes below 0.00001.

Submissions (2):

Labcorp Genetics (formerly Invitae), Labcorp
Classification: Likely benign. Last evaluated: 2023-11-08. Review status: criteria provided, single submitter. Criteria: Invitae Variant Classification Sherloc (09022015). Collection method: clinical testing. Allele origin: germline.

GeneDx
Classification: Likely benign. Last evaluated: 2018-05-07. Review status: criteria provided, single submitter. Criteria: GeneDx Variant Classification (06012015). Collection method: clinical testing. Allele origin: germline. Affected: yes.
Comment: This variant is considered likely benign or benign based on one or more of the following criteria: it is a conservative change, it occurs at a poorly conserved position in the protein, it is predicted to be benign by multiple in silico algorithms, and/or has population frequency not consistent with disease.

NM_000742.4(CHRNA2):c.699C>T (p.Ile233=)

Gene: CHRNA2 (cholinergic receptor nicotinic alpha 2 subunit; minus strand). Cytogenetic location: 8p21.2.
Variant type: single nucleotide variant.
Coding change: c.699C>T on transcript NM_000742.4 (MANE Select); coding-DNA position 699, C replaced by T.
Protein change: p.Ile233=; no amino-acid change (isoleucine 233 retained).
Molecular consequence: synonymous variant.
Genome position (GRCh38, 1-based): chr8:27,463,744, G>A on the plus strand (C>T on the coding strand, the complement: CHRNA2 is on the minus strand). VCF-style: chr8-27463744-G-A. GRCh37 (hg19) VCF-style: chr8-27321261-G-A.
Other names: c.654C>T, p.Ile218= (NM_001282455.2); c.222C>T, p.Ile74= (NM_001347705.2, NM_001347706.2); c.105C>T, p.Ile35= (NM_001347707.2, NM_001347708.2).
Identifiers: ClinVar variation 679547 (VCV000679547.10), dbSNP rs1321895505, ClinGen allele CA460186622.